The following is an entry in ClinVar:

NM_001396956.1(GOLGA6L22):c.1497G>A (p.Val499=)

Gene: GOLGA6L22 (golgin A6 family like 22; plus strand). Cytogenetic location: 15q11.2.
Variant type: single nucleotide variant.
Coding change: c.1497G>A on transcript NM_001396956.1 (MANE Select); coding-DNA position 1497, G replaced by A.
Protein change: p.Val499=; no amino-acid change (valine 499 retained).
Molecular consequence: synonymous variant.
Genome position (GRCh38, 1-based): chr15:22,465,757, G>A. VCF-style: chr15-22465757-G-A. GRCh37 (hg19) VCF-style: chr15-23407339-C-T.
Other names: c.1494G>A, p.Val498= (NM_001396957.1).
Identifiers: ClinVar variation 4534346 (VCV004534346.6).
Genomic context (GRCh38, chr15:22,465,757, plus strand): 5'-GAGGCAGGAGGAGAAGATGCACGACCAGGAGGAGAAGATACGGGAGCAGGAGGAGAAGGT[G>A]TGGAGGCAGGAGGAGAAGATACGGGAGCAGGAGAAGAAACGGGAGCAGGAGGAGAAGATG-3'
Protein context (NP_001383885.1, residues 489-509): EEKIREQEEK[Val499=]WRQEEKIREQ

ClinVar aggregate classification (germline): Likely benign (1 of 4 stars; one submission).

Submission:

CeGaT Center for Human Genetics Tuebingen
Classification: Likely benign. Last evaluated: 2025-10-01. Review status: criteria provided, single submitter. Criteria: CeGaT Center For Human Genetics Tuebingen Variant Classification Criteria Version 2. Collection method: clinical testing. Allele origin: germline. Affected: yes. Observed: 1 variant allele.
Comment: RP11-467N20.5: PM2:Supporting, BP4, BP7